The following is an entry in ClinVar:

NM_001008537.3(NEXMIF):c.3859A>T (p.Lys1287Ter)

Gene: NEXMIF (neurite extension and migration factor; minus strand). Cytogenetic location: Xq13.3.
Variant type: single nucleotide variant.
Coding change: c.3859A>T on transcript NM_001008537.3 (MANE Select); coding-DNA position 3859, A replaced by T.
Protein change: p.Lys1287Ter; replaces lysine 1287 with a stop codon.
Molecular consequence: nonsense.
Genome position (GRCh38, 1-based): chrX:74,740,698, T>A on the plus strand (A>T on the coding strand, the complement: NEXMIF is on the minus strand). VCF-style: chrX-74740698-T-A. GRCh37 (hg19) VCF-style: chrX-73960533-T-A.
Other names: short protein forms K1287*.
Identifiers: ClinVar variation 1709199 (VCV001709199.2), dbSNP rs2519911549, ClinGen allele CA413664589.

ClinVar aggregate classification (germline): Likely pathogenic (1 of 4 stars; one submission).

Conditions:
X-linked intellectual disability, Cantagrel type (XLID98). Also called: INTELLECTUAL DEVELOPMENTAL DISORDER, X-LINKED 98. Identifiers: Orphanet 85277, MedGen C3806730, MONDO:0010483, OMIM 300912.

Submission:

MGZ Medical Genetics Center
Classification: Likely pathogenic for X-linked intellectual disability, Cantagrel type. Last evaluated: 2022-02-21. Review status: criteria provided, single submitter. Criteria: ACMG Guidelines, 2015. Collection method: clinical testing. Allele origin: germline. Affected: yes. Observed: 1 variant allele.
Comment: ACMG criteria applied: PVS1, PM2_SUP